The following continues an entry in ClinVar:

NM_007294.4(BRCA1):c.4308T>C (p.Ser1436=)

Gene: BRCA1. ClinVar aggregate classification (germline): Benign. Benign (1). ClinVar aggregate classification (somatic clinical impact): Tier IV - Benign/Likely benign.

Submissions 21 to 33 of 33:

Breakthrough Genomics
Classification: Benign. Review status: criteria provided, single submitter. Criteria: ACMG Guidelines, 2015. Collection method: not provided. Allele origin: germline. Inheritance: Autosomal recessive inheritance. Affected: yes. Not counted in ClinVar's aggregate classification.

GreenArray Genomic Research & Solutions of Accurate Diagnostic Private Limited
Classification: Benign for Breast-ovarian cancer, familial, susceptibility to, 1. Review status: criteria provided, single submitter. Criteria: ACMG Guidelines, 2015. Collection method: clinical testing. Allele origin: germline. Affected: no. Not counted in ClinVar's aggregate classification.

PreventionGenetics, part of Exact Sciences
Classification: Benign. Review status: criteria provided, single submitter. Criteria: ACMG Guidelines, 2015. Collection method: clinical testing. Allele origin: germline. Not counted in ClinVar's aggregate classification.

Mayo Clinic Laboratories, Mayo Clinic
Classification: Benign. Last evaluated: 2016-12-07. Review status: no assertion criteria provided. Collection method: clinical testing. Allele origin: unknown. Not counted in ClinVar's aggregate classification.

Counsyl
Classification: Benign for Breast-ovarian cancer, familial 1. Last evaluated: 2014-01-02. Review status: no assertion criteria provided. Collection method: literature only. Allele origin: unknown. Inheritance: Autosomal dominant inheritance. Not counted in ClinVar's aggregate classification.
Comment: High frequency in a 1kG or ESP population: 32.6 %. This submission and the accompanying classification are no longer maintained by the submitter.

Sharing Clinical Reports Project (SCRP)
Classification: Benign for Breast-ovarian cancer, familial 1. Last evaluated: 2011-03-22. Review status: no assertion criteria provided. Collection method: clinical testing. Allele origin: germline. Not counted in ClinVar's aggregate classification.

Breast Cancer Information Core (BIC) (BRCA1)
No classification provided. Condition: Breast-ovarian cancer, familial 1. Review status: no classification provided. Collection method: clinical testing. Allele origin: germline, unknown. Affected: yes. Observed: 681 variant alleles. Not counted in ClinVar's aggregate classification.

Clinical Genetics Laboratory, Department of Pathology, Netherlands Cancer Institute
Classification: Benign. Review status: no assertion criteria provided. Collection method: clinical testing. Allele origin: germline. Affected: yes. Study: VKGL Data-share Consensus. Not counted in ClinVar's aggregate classification.

Department of Pathology and Laboratory Medicine, Sinai Health System
Classification: Benign. Review status: no assertion criteria provided. Collection method: clinical testing. Allele origin: unknown. Affected: yes. Study: The Canadian Open Genetics Repository (COGR). Not counted in ClinVar's aggregate classification.

Diagnostic Laboratory, Department of Genetics, University Medical Center Groningen
Classification: Benign for Breast-ovarian cancer, familial, susceptibility to, 1. Review status: no assertion criteria provided. Collection method: clinical testing. Allele origin: germline. Affected: yes. Study: VKGL Data-share Consensus. Not counted in ClinVar's aggregate classification.

Faculté Pluridciplinaire Nador, Université Mohamed Premier
Classification: Tier IV - Benign/Likely benign for Familial cancer of breast. Review status: no assertion criteria provided. Collection method: research. Allele origin: somatic. Affected: yes.
Comment: The following databases and algorithms are used to annotate and evaluate the impact of the variant in the context of human disease: 1000 genomes, gnomAD, ClinVar, OMIM, dbSNP, NCIB RefSeq Genes, ExAC Gene Constraints, VS-SIFT, VS-PolyPhen2, PhyloP, GERP++, GeneSplicer, MaxEntScan, NNSplice, PWM Splice Predictor.

Genomic Research Center, Shahid Beheshti University of Medical Sciences
No classification provided. Condition: Familial cancer of breast. Review status: no classification provided. Collection method: not provided. Allele origin: somatic. Not counted in ClinVar's aggregate classification.
ClinVar note: Converted during submission from untested to not provided.

Joint Genome Diagnostic Labs from Nijmegen and Maastricht, Radboudumc and MUMC+
Classification: Benign. Review status: no assertion criteria provided. Collection method: clinical testing. Allele origin: germline. Affected: yes. Study: VKGL Data-share Consensus. Not counted in ClinVar's aggregate classification.

Literature cited by the submitters: DOI 10.3389/fgene.2022.834265 (cited by National Health Laboratory Service, Universitas Academic Hospital and University of the Free State); PubMed 36329109 (cited by Genetics Program, Instituto Nacional de Cancer); PubMed 21702907 (cited by Women's Health and Genetics/Laboratory Corporation of America, LabCorp); Konstantopoulou et al, Hu Mut 2000 (cited by Breast Cancer Information Core (BIC) (BRCA1)); Ladopolou-et-al.,-Cancer-Lett,-185:61,-2002 (cited by Breast Cancer Information Core (BIC) (BRCA1)).